The following is an entry in ClinVar:

ClinVar aggregate classification (germline): Pathogenic (1 of 4 stars; one submission).

Conditions:
Charcot-Marie-Tooth disease type 2. Also called: Charcot-Marie-Tooth type 2. Identifiers: Orphanet 64746, MedGen C0270914, MONDO:0018993.

Submission:

Labcorp Genetics (formerly Invitae), Labcorp
Classification: Pathogenic for Charcot-Marie-Tooth disease type 2. Last evaluated: 2023-11-27. Review status: criteria provided, single submitter. Criteria: Invitae Variant Classification Sherloc (09022015). Collection method: clinical testing. Allele origin: germline.
Comment: This sequence change replaces glutamine, which is neutral and polar, with histidine, which is basic and polar, at codon 276 of the MFN2 protein (p.Gln276His). This variant is not present in population databases (gnomAD no frequency). This missense change has been observed in individuals with autosomal dominant Charcot-Marie-Tooth disease (PMID: 19889647, 20819609; Invitae). It has also been observed to segregate with disease in related individuals. ClinVar contains an entry for this variant (Variation ID: 1066607). Advanced modeling of protein sequence and biophysical properties (such as structural, functional, and spatial information, amino acid conservation, physicochemical variation, residue mobility, and thermodynamic stability) performed at Invitae indicates that this missense variant is expected to disrupt MFN2 protein function with a positive predictive value of 95%. This variant disrupts the p.Gln276 amino acid residue in MFN2. Other variant(s) that disrupt this residue have been observed in individuals with MFN2-related conditions (PMID: 16437557, 20008656, 31832804), which suggests that this may be a clinically significant amino acid residue. For these reasons, this variant has been classified as Pathogenic.

Literature cited by the submitters: PubMed 19889647; PubMed 20819609; PubMed 16437557; PubMed 20008656; PubMed 31832804.

NM_014874.4(MFN2):c.828G>T (p.Gln276His)

Gene: MFN2 (mitofusin 2; plus strand). Cytogenetic location: 1p36.22.
Variant type: single nucleotide variant.
Coding change: c.828G>T on transcript NM_014874.4 (MANE Select); coding-DNA position 828, G replaced by T.
Protein change: p.Gln276His; replaces glutamine 276 with histidine.
Molecular consequence: missense variant.
Genome position (GRCh38, 1-based): chr1:12,001,412, G>T. VCF-style: chr1-12001412-G-T. GRCh37 (hg19) VCF-style: chr1-12061469-G-T.
Other names: c.828G>T, p.Gln276His (NM_001127660.2); short protein forms Q276H.
Identifiers: ClinVar variation 1066607 (VCV001066607.9), dbSNP rs1569851570, ClinGen allele CA338441430.